The following is an entry in ClinVar:

ClinVar aggregate classification (germline): Pathogenic. Review status: reviewed by expert panel (3 of 4 stars). 15 submissions from 15 submitters: Pathogenic (1). 14 of the submissions do not count toward it. Last evaluated 2016-09-08.

Conditions:
BRCA2-related cancer predisposition. Identifiers: MedGen CN377758, MONDO:0700269.
Hereditary cancer-predisposing syndrome. Also called: Tumor predisposition; Neoplastic Syndromes, Hereditary; Hereditary neoplastic syndrome; Hereditary Cancer Syndrome. Identifiers: Orphanet 140162, MedGen C0027672, MeSH D009386, MONDO:0015356.
Breast and/or ovarian cancer. Identifiers: MedGen CN221562.
Hereditary breast ovarian cancer syndrome. Also called: Hereditary breast and ovarian cancer; Hereditary breast and ovarian cancer syndrome (HBOC); Hereditary breast and/or ovarian cancer syndrome; Breast and ovarian cancer; Hereditary breast and ovarian cancer syndrome; BRCA1- and BRCA2-Associated Hereditary Breast and Ovarian Cancer. Identifiers: Orphanet 145, MedGen C0677776, MeSH D061325, MONDO:0003582. Disease mechanism: loss of function.
Breast-ovarian cancer, familial, susceptibility to, 2 (BROVCA2). Also called: BRCA2 Hereditary Breast and Ovarian Cancer. Identifiers: Orphanet 145, MedGen C2675520, MONDO:0012933, OMIM 612555. Disease mechanism: loss of function.
Familial cancer of breast. Also called: Hereditary breast cancer; BREAST CANCER, FAMILIAL; hereditary breast carcinoma. Identifiers: Orphanet 227535, MedGen C0346153, MONDO:0016419, OMIM 114480. Disease mechanism: loss of function.

Submissions (15):

Evidence-based Network for the Interpretation of Germline Mutant Alleles (ENIGMA)
Classification: Pathogenic for Breast-ovarian cancer, familial, susceptibility to, 2. Last evaluated: 2016-09-08. Review status: reviewed by expert panel. Criteria: ENIGMA BRCA1/2 Classification Criteria (2015). Collection method: curation. Allele origin: germline.
Comment: Variant allele predicted to encode a truncated non-functional protein.

Women's Health and Genetics/Laboratory Corporation of America, LabCorp
Classification: Pathogenic for Hereditary breast ovarian cancer syndrome. Last evaluated: 2025-10-30. Review status: criteria provided, single submitter. Criteria: LabCorp Variant Classification Summary - May 2015. Collection method: clinical testing. Allele origin: germline. Not counted in ClinVar's aggregate classification.
Comment: Variant summary: BRCA2 c.6444dupT (p.Ile2149TyrfsX2) results in a premature termination codon, predicted to cause a truncation of the encoded protein or absence of the protein due to nonsense mediated decay, which are commonly known mechanisms for disease. This variant is also known as 6672insT. The variant was absent in 231302 control chromosomes. c.6444dupT has been observed in individual(s) affected with Hereditary Breast And Ovarian Cancer Syndrome (e.g. Walsh_2011). To our knowledge, no experimental evidence demonstrating an impact on protein function has been reported. The following publication have been ascertained in the context of this evaluation (PMID: 22006311).ClinVar contains an entry for this variant (Variation ID: 38046). Based on the evidence outlined above, the variant was classified as pathogenic.

Ambry Genetics
Classification: Pathogenic for Hereditary cancer-predisposing syndrome. Last evaluated: 2025-07-21. Review status: criteria provided, single submitter. Criteria: Ambry Variant Classification Scheme 2023. Collection method: clinical testing. Allele origin: germline. Not counted in ClinVar's aggregate classification.
Comment: The c.6444dupT pathogenic mutation, located in coding exon 10 of the BRCA2 gene, results from a duplication of T at nucleotide position 6444, causing a translational frameshift with a predicted alternate stop codon (p.I2149Yfs*2). Of note, this alteration is also designated as 6672insT in published literature. In addition to the clinical data presented in the literature, this alteration is expected to result in loss of function by premature protein truncation or nonsense-mediated mRNA decay. As such, this alteration is interpreted as a disease-causing mutation.

All of Us Research Program, National Institutes of Health
Classification: Pathogenic for BRCA2-related cancer predisposition. Last evaluated: 2024-07-10. Review status: criteria provided, single submitter. Criteria: ACMG Guidelines, 2015. Collection method: clinical testing. Allele origin: germline. Inheritance: Autosomal dominant inheritance. Observed: 1 variant allele, 1 heterozygote. Not counted in ClinVar's aggregate classification.
Comment: This variant inserts 1 nucleotide in exon 11 of the BRCA2 gene, creating a frameshift and premature translation stop signal. This variant is expected to result in an absent or non-functional protein product. This variant is also known as 6672insT in the literature. This variant has been reported individuals affected with breast and/or ovarian cancer (PMID: 22006311, 22666503, 26681312), and pancreatic cancer (PMID: 12569143). This variant has not been identified in the general population by the Genome Aggregation Database (gnomAD). Loss of BRCA2 function is a known mechanism of disease. Based on the available evidence, this variant is classified as Pathogenic.

This study involves interpretation of variants in research participants for the purpose of population health screening. Participant phenotype was not available at the time of variant classification. Additional details can be found in publication PMID: 35346344, PMCID: PMC8962531

Color Diagnostics, LLC DBA Color Health
Classification: Pathogenic for Hereditary cancer-predisposing syndrome. Last evaluated: 2024-04-26. Review status: criteria provided, single submitter. Criteria: ACMG Guidelines, 2015. Collection method: clinical testing. Allele origin: germline. Not counted in ClinVar's aggregate classification.
Comment: This variant inserts 1 nucleotide in exon 11 of the BRCA2 gene, creating a frameshift and premature translation stop signal. This variant is expected to result in an absent or non-functional protein product. This variant is also known as 6672insT in the literature. This variant has been reported individuals affected with breast and/or ovarian cancer (PMID: 22006311, 22666503, 26681312), and pancreatic cancer (PMID: 12569143). This variant has not been identified in the general population by the Genome Aggregation Database (gnomAD). Loss of BRCA2 function is a known mechanism of disease. Based on the available evidence, this variant is classified as Pathogenic.

GeneDx
Classification: Pathogenic. Last evaluated: 2024-04-12. Review status: criteria provided, single submitter. Criteria: GeneDx Variant Classification Process June 2021. Collection method: clinical testing. Allele origin: germline. Affected: yes. Not counted in ClinVar's aggregate classification.
Comment: Frameshift variant predicted to result in protein truncation or nonsense mediated decay in a gene for which loss of function is a known mechanism of disease; Not observed at significant frequency in large population cohorts (gnomAD); Observed in individuals with BRCA2-related cancers (PMID: 12569143, 22006311, 22666503, 27084275); Truncating variants in this gene are considered pathogenic by a well-established clinical consortium and/or database; Also known as 6672dupT; This variant is associated with the following publications: (PMID: 26681312, 32295079, 22006311, 22666503, 12569143, 27084275, 22430266, 18437078, 26402249, 32341426, 30787465, 30322717, 20104584, 35710434)

Labcorp Genetics (formerly Invitae), Labcorp
Classification: Pathogenic for Hereditary breast ovarian cancer syndrome. Last evaluated: 2024-04-05. Review status: criteria provided, single submitter. Criteria: Invitae Variant Classification Sherloc (09022015). Collection method: clinical testing. Allele origin: germline. Not counted in ClinVar's aggregate classification.
Comment: This sequence change creates a premature translational stop signal (p.Ile2149Tyrfs*2) in the BRCA2 gene. It is expected to result in an absent or disrupted protein product. Loss-of-function variants in BRCA2 are known to be pathogenic (PMID: 20104584). This variant is not present in population databases (gnomAD no frequency). This premature translational stop signal has been observed in individual(s) with breast and/or ovarian cancer and pancreatic cancer (PMID: 12569143, 22006311, 22666503, 26681312). This variant is also known as 6672insT. ClinVar contains an entry for this variant (Variation ID: 38046). For these reasons, this variant has been classified as Pathogenic.

Revvity Omics, Revvity
Classification: Pathogenic. Last evaluated: 2024-02-07. Review status: criteria provided, single submitter. Criteria: ACMG Guidelines, 2015. Collection method: clinical testing. Allele origin: germline. Not counted in ClinVar's aggregate classification.

Baylor Genetics
Classification: Pathogenic for Familial cancer of breast. Last evaluated: 2022-11-09. Review status: criteria provided, single submitter. Criteria: ACMG Guidelines, 2015. Collection method: clinical testing. Allele origin: unknown. Not counted in ClinVar's aggregate classification.

Consortium of Investigators of Modifiers of BRCA1/2 (CIMBA), c/o University of Cambridge
Classification: Pathogenic for Breast-ovarian cancer, familial, susceptibility to, 2. Last evaluated: 2015-10-02. Review status: criteria provided, single submitter. Criteria: CIMBA Mutation Classification guidelines May 2016. Collection method: clinical testing. Allele origin: germline. Not counted in ClinVar's aggregate classification.

BRCAlab, Lund University
Classification: Pathogenic for Breast-ovarian cancer, familial, susceptibility to, 2. Last evaluated: 2020-03-02. Review status: no assertion criteria provided. Collection method: clinical testing. Allele origin: germline. Affected: yes. Not counted in ClinVar's aggregate classification.

CZECANCA consortium
Classification: Pathogenic for Breast and/or ovarian cancer. Last evaluated: 2019-06-11. Review status: no assertion criteria provided. Collection method: clinical testing. Allele origin: germline. Affected: yes. Observed: 2 variant alleles. Not counted in ClinVar's aggregate classification.

Research Molecular Genetics Laboratory, Women's College Hospital, University of Toronto
Classification: Pathogenic for Hereditary breast ovarian cancer syndrome. Last evaluated: 2014-01-31. Review status: no assertion criteria provided. Collection method: research. Allele origin: germline. Affected: yes. Study: The Canadian Open Genetics Repository (COGR). Not counted in ClinVar's aggregate classification.

Sharing Clinical Reports Project (SCRP)
Classification: Pathogenic for Breast-ovarian cancer, familial 2. Last evaluated: 2009-03-16. Review status: no assertion criteria provided. Collection method: clinical testing. Allele origin: germline. Not counted in ClinVar's aggregate classification.

Breast Cancer Information Core (BIC) (BRCA2)
Classification: Pathogenic for Breast-ovarian cancer, familial 2. Review status: no assertion criteria provided. Collection method: clinical testing. Allele origin: germline. Affected: yes. Observed: 1 variant allele. Not counted in ClinVar's aggregate classification.

Literature cited by the submitters: PubMed 22006311 (cited by 4 submitters); PubMed 12569143 (cited by 4 submitters); PubMed 22666503 (cited by 4 submitters); PubMed 26681312 (cited by 3 submitters); PubMed 20104584 (cited by Labcorp Genetics (formerly Invitae), Labcorp); PubMed 32295079 (cited by CZECANCA consortium).

NM_000059.4(BRCA2):c.6444dup (p.Ile2149fs)

Gene: BRCA2 (BRCA2 DNA repair associated; plus strand). Cytogenetic location: 13q13.1.
Variant type: Duplication.
Coding change: c.6444dup on transcript NM_000059.4 (MANE Select); coding-DNA position 6444, one base duplicated (T; older notation c.6444dupT).
Protein change: p.Ile2149fs; shifts the reading frame from isoleucine 2149.
Molecular consequence: frameshift variant.
Genome position (GRCh38, 1-based): chr13:32,340,799, T duplicated. VCF-style (leftmost placement, unchanged base first): chr13-32340798-C-CT. GRCh37 (hg19) VCF-style: chr13-32914935-C-CT.
Other names: 6672insT; c.6444dupT (NM_000059.3); short protein forms I2149fs.
Identifiers: ClinVar variation 38046 (VCV000038046.70), dbSNP rs80359590, ClinGen allele CA024044.